The following is an entry in ClinVar:

ClinVar aggregate classification (germline): Likely benign. Review status: criteria provided, multiple submitters, no conflicts (2 of 4 stars). 2 submissions from 2 submitters: Likely benign (2). Last evaluated 2026-04-01.

gnomAD v4.1: 978 of 1,611,774 alleles (0.061%); highest among the groups gnomAD compares: African/African-American, 1.2%; 2 homozygotes.

Submissions (2):

CeGaT Center for Human Genetics Tuebingen
Classification: Likely benign. Last evaluated: 2026-04-01. Review status: criteria provided, single submitter. Criteria: CeGaT Center For Human Genetics Tuebingen Variant Classification Criteria Version 2. Collection method: clinical testing. Allele origin: germline. Affected: yes. Observed: 1 variant allele.
Comment: MAD1L1: BP4, BS1

Blueprint Genetics
Classification: Likely benign. Last evaluated: 2024-11-12. Review status: criteria provided, single submitter. Criteria: ACMG Guidelines, 2015. Collection method: clinical testing. Allele origin: germline.

NM_001013836.2(MAD1L1):c.809+8G>A

Gene: MAD1L1 (mitotic arrest deficient 1 like 1; minus strand). Cytogenetic location: 7p22.3.
Variant type: single nucleotide variant.
Coding change: c.809+8G>A on transcript NM_001013836.2 (MANE Select); 8 bases into the intron after coding-DNA position 809, G replaced by A.
Molecular consequence: intron variant.
Genome position (GRCh38, 1-based): chr7:2,216,149, C>T on the plus strand (G>A on the coding strand, the complement: MAD1L1 is on the minus strand). VCF-style: chr7-2216149-C-T. GRCh37 (hg19) VCF-style: chr7-2255784-C-T.
Other names: c.533+8G>A (NM_001304524.2); c.809+8G>A (NM_001304523.2, NM_001013837.2, NM_003550.3).
Identifiers: ClinVar variation 4872507 (VCV004872507.3).